The following is an entry in ClinVar:

NM_001367823.1(ARHGEF18):c.968-235A>C

Gene: ARHGEF18 (Rho/Rac guanine nucleotide exchange factor 18; plus strand). Cytogenetic location: 19p13.2.
Variant type: single nucleotide variant.
Coding change: c.968-235A>C on transcript NM_001367823.1 (MANE Select); 235 bases into the intron before coding-DNA position 968, A replaced by C.
Molecular consequence: intron variant. On other transcripts: missense variant (1).
Genome position (GRCh38, 1-based): chr19:7,440,109, A>C. VCF-style: chr19-7440109-A-C. GRCh37 (hg19) VCF-style: chr19-7504995-A-C.
Other names: c.7A>C, p.Asn3His (NM_001130955.2); c.-226-80A>C (NM_001367824.1); c.-71-235A>C (NM_015318.4); short protein forms N3H.
Identifiers: ClinVar variation 1716288 (VCV001716288.5), dbSNP rs1763856589, ClinGen allele CA403093491.

ClinVar aggregate classification (germline): Uncertain significance (1 of 4 stars; one submission).

Allele frequency attached by ClinVar (database versions not stated): gnomAD 0.00001.
gnomAD v4.1: 1 of 1,550,666 alleles (0.000064%); highest among the groups gnomAD compares: Non-Finnish European, 0.000087%; no homozygotes.

Submission:

Labcorp Genetics (formerly Invitae), Labcorp
Classification: Uncertain significance. Last evaluated: 2022-08-22. Review status: criteria provided, single submitter. Criteria: Invitae Variant Classification Sherloc (09022015). Collection method: clinical testing. Allele origin: germline.
Comment: This variant is not present in population databases (gnomAD no frequency). This sequence change replaces asparagine, which is neutral and polar, with histidine, which is basic and polar, at codon 57 of the ARHGEF18 protein (p.Asn57His). In summary, the available evidence is currently insufficient to determine the role of this variant in disease. Therefore, it has been classified as a Variant of Uncertain Significance. Algorithms developed to predict the effect of missense changes on protein structure and function are either unavailable or do not agree on the potential impact of this missense change (SIFT: "Deleterious"; PolyPhen-2: "Probably Damaging"; Align-GVGD: "Class C0"). This variant has not been reported in the literature in individuals affected with ARHGEF18-related conditions.